The following is an entry in ClinVar:

ClinVar aggregate classification (germline): Conflicting classifications of pathogenicity. Review status: criteria provided, conflicting classifications (1 of 4 stars). 3 submissions from 3 submitters: Uncertain significance (2); Likely benign (1). Last evaluated 2025-02-25.

Conditions:
Catecholaminergic polymorphic ventricular tachycardia 1. Also called: VENTRICULAR TACHYCARDIA, CATECHOLAMINERGIC POLYMORPHIC, 1, WITH OR WITHOUT ATRIAL DYSFUNCTION AND/OR DILATED CARDIOMYOPATHY; VENTRICULAR TACHYCARDIA, STRESS-INDUCED POLYMORPHIC 1; RYR2-Related Catecholaminergic Polymorphic Ventricular Tachycardia. Identifiers: Orphanet 3286, MedGen C1631597, MONDO:0011484, OMIM 604772.
Cardiomyopathy (CMYO). Also called: Cardiomyopathies. Identifiers: Orphanet 167848, MedGen C0878544, MONDO:0004994, HP:0001638. Inheritance: Various modes of inheritance.
Cardiovascular phenotype. Identifiers: MedGen CN230736.

Allele frequency attached by ClinVar (database versions not stated): gnomAD exomes below 0.00001; TOPMed below 0.00001; gnomAD 0.00001.
gnomAD v4.1: 2 of 1,604,742 alleles (0.00012%); highest among the groups gnomAD compares: African/African-American, 0.0027%; no homozygotes.

Submissions (3):

Labcorp Genetics (formerly Invitae), Labcorp
Classification: Likely benign for Catecholaminergic polymorphic ventricular tachycardia 1. Last evaluated: 2025-02-25. Review status: criteria provided, single submitter. Criteria: Invitae Variant Classification Sherloc (09022015). Collection method: clinical testing. Allele origin: germline.

Color Diagnostics, LLC DBA Color Health
Classification: Uncertain significance for Cardiomyopathy. Last evaluated: 2023-12-04. Review status: criteria provided, single submitter. Criteria: ACMG Guidelines, 2015. Collection method: clinical testing. Allele origin: germline.
Comment: Variant of Uncertain Significance due to insufficient evidence: This missense variant replaces isoleucine with valine at codon 502 of the RYR2 protein. Computational prediction tools and conservation analyses are inconclusive regarding the impact of this variant on the protein function. Computational splicing tools suggest that this variant may not impact RNA splicing. To our knowledge, functional assays have not been performed for this variant nor has this variant been reported in individuals affected with cardiovascular disorders in the literature. This variant has been identified in 2/276384 chromosomes in the general population by the Genome Aggregation Database (gnomAD). Available evidence is insufficient to determine the role of this variant in disease conclusively.

Ambry Genetics
Classification: Uncertain significance for Cardiovascular phenotype. Last evaluated: 2023-05-18. Review status: criteria provided, single submitter. Criteria: Ambry Variant Classification Scheme 2023. Collection method: clinical testing. Allele origin: germline.
Comment: The p.I502V variant (also known as c.1504A>G), located in coding exon 16 of the RYR2 gene, results from an A to G substitution at nucleotide position 1504. The isoleucine at codon 502 is replaced by valine, an amino acid with highly similar properties. This amino acid position is well conserved in available vertebrate species. In addition, this alteration is predicted to be tolerated by in silico analysis. Since supporting evidence is limited at this time, the clinical significance of this alteration remains unclear.

NM_001035.3(RYR2):c.1504A>G (p.Ile502Val)

Gene: RYR2 (ryanodine receptor 2; plus strand). Cytogenetic location: 1q43.
Variant type: single nucleotide variant.
Coding change: c.1504A>G on transcript NM_001035.3 (MANE Select); coding-DNA position 1504, A replaced by G.
Protein change: p.Ile502Val; replaces isoleucine 502 with valine.
Molecular consequence: missense variant.
Genome position (GRCh38, 1-based): chr1:237,456,627, A>G. VCF-style: chr1-237456627-A-G. GRCh37 (hg19) VCF-style: chr1-237619927-A-G.
Other names: c.1504A>G, p.Ile502Val (LRG_402t1); short protein forms I502V.
Identifiers: ClinVar variation 661624 (VCV000661624.20), dbSNP rs1309242606, ClinGen allele CA345381363.
Genomic context (GRCh38, chr1:237,456,627, plus strand): 5'-TGATTGTGATTTTTTTTTTTTTTAACGTTCCAGGGAATGATCAACCTCGTGCTTGAGTGC[A>G]TAGACCGTTTGCACGTCTACAGCAGTGCAGCACACTTTGCTGATGTTGCTGGGCGAGAAG-3'
Protein context (NP_001026.2, residues 492-512): EGMINLVLEC[Ile502Val]DRLHVYSSAA